The following is an entry in ClinVar:

ClinVar aggregate classification (germline): Uncertain significance (1 of 4 stars; one submission).

Conditions:
Long QT syndrome (LQTS). Identifiers: MedGen C0023976, MeSH D008133, MONDO:0002442. Disease mechanism: loss of function. Inheritance: Various modes of inheritance.

Allele frequency attached by ClinVar (database versions not stated): gnomAD exomes below 0.00001; TOPMed below 0.00001.
gnomAD v4.1: 2 of 1,613,910 alleles (0.00012%); highest among the groups gnomAD compares: Non-Finnish European, 0.00017%; no homozygotes.

Submission:

Labcorp Genetics (formerly Invitae), Labcorp
Classification: Uncertain significance for Long QT syndrome. Last evaluated: 2023-03-23. Review status: criteria provided, single submitter. Criteria: Invitae Variant Classification Sherloc (09022015). Collection method: clinical testing. Allele origin: germline.
Comment: This sequence change replaces proline, which is neutral and non-polar, with arginine, which is basic and polar, at codon 408 of the KCNQ1 protein (p.Pro408Arg). This variant is not present in population databases (gnomAD no frequency). This variant has not been reported in the literature in individuals affected with KCNQ1-related conditions. Advanced modeling of protein sequence and biophysical properties (such as structural, functional, and spatial information, amino acid conservation, physicochemical variation, residue mobility, and thermodynamic stability) performed at Invitae indicates that this missense variant is not expected to disrupt KCNQ1 protein function. In summary, the available evidence is currently insufficient to determine the role of this variant in disease. Therefore, it has been classified as a Variant of Uncertain Significance.

NM_000218.3(KCNQ1):c.1223C>G (p.Pro408Arg)

Gene: KCNQ1 (potassium voltage-gated channel subfamily Q member 1; plus strand). Cytogenetic location: 11p15.5.
Variant type: single nucleotide variant.
Coding change: c.1223C>G on transcript NM_000218.3 (MANE Select); coding-DNA position 1223, C replaced by G.
Protein change: p.Pro408Arg; replaces proline 408 with arginine.
Molecular consequence: missense variant.
Genome position (GRCh38, 1-based): chr11:2,587,664, C>G. VCF-style: chr11-2587664-C-G. GRCh37 (hg19) VCF-style: chr11-2608894-C-G.
Other names: c.1127C>G, p.Pro376Arg (NM_001406836.1); c.953C>G, p.Pro318Arg (NM_001406837.1); c.683C>G, p.Pro228Arg (NM_001406838.1); c.842C>G, p.Pro281Arg (NM_181798.2); short protein forms P228R, P281R, P376R, P318R, P408R.
Identifiers: ClinVar variation 2960727 (VCV002960727.2), dbSNP rs1016945188, ClinGen allele CA216333028.
Genomic context (GRCh38, chr11:2,587,664, plus strand): 5'-ACTCCTCCACCTGGAAGATCTACATCCGGAAGGCCCCCCGGAGCCACACTCTGCTGTCAC[C>G]CAGCCCCAAACCCAAGAAGTCTGTGGTGGTGAGTAGCCCACCTGCCACCAGGGCAGGGCC-3'
Protein context (NP_000209.2, residues 398-418): KAPRSHTLLS[Pro408Arg]SPKPKKSVVV